The following is an entry in ClinVar:

NM_000349.3(STAR):c.217_218insCTTCTGCA (p.Leu73fs)

Gene: STAR (steroidogenic acute regulatory protein; minus strand). Cytogenetic location: 8p11.23.
Variant type: Insertion.
Coding change: c.217_218insCTTCTGCA on transcript NM_000349.3 (MANE Select); coding-DNA positions 217 to 218, CTTCTGCA inserted.
Protein change: p.Leu73fs; shifts the reading frame from leucine 73.
Molecular consequence: frameshift variant.
Genome position: GRCh38 VCF-style: chr8-38148288-A-ATGCAGAAG. GRCh37 (hg19) VCF-style: chr8-38005806-A-ATGCAGAAG.
Other names: short protein forms L73fs.
Identifiers: ClinVar variation 1725823 (VCV001725823.2), dbSNP rs2487067594, ClinGen allele CA2580078236.

ClinVar aggregate classification (germline): Likely pathogenic (1 of 4 stars; one submission).

Conditions:
Congenital lipoid adrenal hyperplasia due to STAR deficency. Also called: Lipoid adrenal hyperplasia; Congenital Lipoid Adrenal Hyperplasia; Cholesterol monooxygenase (side-chain cleaving) deficiency; ADRENAL HYPERPLASIA I. Identifiers: Orphanet 418, Orphanet 90790, MedGen C0342474, MONDO:0008725, OMIM 201710.

Submission:

Myriad Genetics, Inc.
Classification: Likely pathogenic for Congenital lipoid adrenal hyperplasia due to STAR deficency. Last evaluated: 2022-04-02. Review status: criteria provided, single submitter. Criteria: Myriad Women's Health Autosomal Recessive and X-Linked Classification Criteria (2021). Collection method: clinical testing. Allele origin: unknown.
Comment: NM_000349.2(STAR):c.217_218ins8(L73Pfs*39) is expected to be pathogenic in the context of lipoid congenital adrenal hyperplasia. This variant is predicted to lead to an abnormal or absent protein product due to the creation of a premature termination codon in STAR, a gene where loss-of-function variants are known to be pathogenic. Please note: this variant was assessed in the context of healthy population screening.